The following is an entry in ClinVar:

NM_001999.4(FBN2):c.2779G>A (p.Ala927Thr)

Gene: FBN2 (fibrillin 2; minus strand). Cytogenetic location: 5q23.3.
Variant type: single nucleotide variant.
Coding change: c.2779G>A on transcript NM_001999.4 (MANE Select); coding-DNA position 2779, G replaced by A.
Protein change: p.Ala927Thr; replaces alanine 927 with threonine.
Molecular consequence: missense variant.
Genome position (GRCh38, 1-based): chr5:128,350,901, C>T on the plus strand (G>A on the coding strand, the complement: FBN2 is on the minus strand). VCF-style: chr5-128350901-C-T. GRCh37 (hg19) VCF-style: chr5-127686593-C-T.
Other names: short protein forms A927T.
Identifiers: ClinVar variation 213292 (VCV000213292.8), dbSNP rs863223559, ClinGen allele CA319776.
Genomic context (GRCh38, chr5:128,350,901, plus strand): 5'-CCCAGAAGCTCCCAATAAGGCTCCTACCTAGTTCACACCGCTCACAGGGGCTCCCCCAGG[C>T]GGCTCCGAGGGTGGCACAGCATTCAGATTTCAGAGTGGCTCCATTAATATTCACCTCACA-3'
Protein context (NP_001990.2, residues 917-937): KSECCATLGA[Ala927Thr]WGSPCERCEL

ClinVar aggregate classification (germline): Uncertain significance. Review status: criteria provided, multiple submitters, no conflicts (2 of 4 stars). 3 submissions from 3 submitters: Uncertain significance (3). Last evaluated 2021-10-12.

Conditions:
Congenital contractural arachnodactyly (CCA). Also called: Beals-Hecht syndrome; BEALS SYNDROME; Arthrogryposis, distal, type 9. Identifiers: Orphanet 115, MedGen C0220668, MONDO:0007363, OMIM 121050.
Macular degeneration, early-onset (EOMD). Identifiers: MedGen C4015286, MONDO:0014501, OMIM 616118.

Allele frequency attached by ClinVar (database versions not stated): gnomAD exomes below 0.00001 and 0.00001.
gnomAD v4.1: 8 of 1,614,138 alleles (0.0005%); highest among the groups gnomAD compares: Admixed American, 0.0017%; no homozygotes.

Submissions (3):

Fulgent Genetics
Classification: Uncertain significance for Congenital contractural arachnodactyly; Macular degeneration, early-onset. Last evaluated: 2021-10-12. Review status: criteria provided, single submitter. Criteria: ACMG Guidelines, 2015. Collection method: clinical testing. Allele origin: unknown.

Illumina Laboratory Services, Illumina
Classification: Uncertain significance for Congenital contractural arachnodactyly. Last evaluated: 2020-10-29. Review status: criteria provided, single submitter. Criteria: ICSLVariantClassificationCriteria RUGD 01 April 2020. Collection method: clinical testing. Allele origin: unknown.
Comment: The FBN2 c.2779G>A (p.Ala927Thr) variant is a missense variant. A literature search was performed for the gene, cDNA change, and amino acid change. No publications were found based on this search. This variant is found in a single allele in the Genome Aggregation Database, in a region of good sequence coverage and hence is presumed to be rare. In silico tools predict the variant to be damaging. Based on the limited evidence, the p.Ala927Thr variant is classified as a variant of uncertain significance for congenital contractural arachnodactyly.

GeneDx
Classification: Uncertain significance. Last evaluated: 2020-08-25. Review status: criteria provided, single submitter. Criteria: GeneDx Variant Classification (06012015). Collection method: clinical testing. Allele origin: germline. Affected: yes.
Comment: Not observed at a significant frequency in large population cohorts (Lek et al., 2016); In silico analysis supports that this missense variant has a deleterious effect on protein structure/function; Does not affect a cysteine residue within a calcium-binding EGF-like domain of the FBN2 gene; cysteine substitutions in the calcium-binding EGF-like domains represent the majority of pathogenic missense changes associated with FBN2-related disorders (Frederic et al., 2009); Has not been previously published as pathogenic or benign to our knowledge